The following is an entry in ClinVar:

ClinVar aggregate classification (germline): Uncertain significance (1 of 4 stars; one submission).

Conditions:
Curry-Hall syndrome (WAD). Also called: WEYERS ACRODENTAL DYSOSTOSIS. Identifiers: Orphanet 952, MedGen C0457013, MONDO:0008673, OMIM 193530.
Ellis-van Creveld syndrome (EVC). Also called: Chondroectodermal dysplasia; MESOECTODERMAL DYSPLASIA; EVC-Related Ellis-van Creveld Syndrome; EVC2-Related Ellis-van Creveld Syndrome. Identifiers: Orphanet 289, MedGen C0013903, MONDO:0009162, OMIM 225500.

Allele frequency attached by ClinVar (database versions not stated): gnomAD exomes 0.00001; ExAC 0.00002; ESP Exome Variant Server 0.00008; gnomAD 0.00009; TOPMed 0.00012.
gnomAD v4.1: 29 of 1,614,074 alleles (0.0018%); highest among the groups gnomAD compares: African/African-American, 0.035%; no homozygotes.

Submission:

Labcorp Genetics (formerly Invitae), Labcorp
Classification: Uncertain significance for Curry-Hall syndrome; Ellis-van Creveld syndrome. Last evaluated: 2024-11-04. Review status: criteria provided, single submitter. Criteria: Invitae Variant Classification Sherloc (09022015). Collection method: clinical testing. Allele origin: germline.
Comment: This sequence change replaces glutamine, which is neutral and polar, with proline, which is neutral and non-polar, at codon 1090 of the EVC2 protein (p.Gln1090Pro). This variant is present in population databases (rs140506709, gnomAD 0.03%). This variant has not been reported in the literature in individuals affected with EVC2-related conditions. ClinVar contains an entry for this variant (Variation ID: 2072881). An algorithm developed to predict the effect of missense changes on protein structure and function (PolyPhen-2) suggests that this variant is likely to be disruptive. In summary, the available evidence is currently insufficient to determine the role of this variant in disease. Therefore, it has been classified as a Variant of Uncertain Significance.

NM_147127.5(EVC2):c.3269A>C (p.Gln1090Pro)

Gene: EVC2 (EvC ciliary complex subunit 2; minus strand). Cytogenetic location: 4p16.2.
Variant type: single nucleotide variant.
Coding change: c.3269A>C on transcript NM_147127.5 (MANE Select); coding-DNA position 3269, A replaced by C.
Protein change: p.Gln1090Pro; replaces glutamine 1090 with proline.
Molecular consequence: missense variant.
Genome position (GRCh38, 1-based): chr4:5,576,243, T>G on the plus strand (A>C on the coding strand, the complement: EVC2 is on the minus strand). VCF-style: chr4-5576243-T-G. GRCh37 (hg19) VCF-style: chr4-5577970-T-G.
Other names: c.3029A>C, p.Gln1010Pro (NM_001166136.2); short protein forms Q1090P, Q1010P.
Identifiers: ClinVar variation 2072881 (VCV002072881.2), dbSNP rs140506709, ClinGen allele CA2834398.